The following is an entry in ClinVar:

ClinVar aggregate classification (germline): Likely benign. Review status: criteria provided, multiple submitters, no conflicts (2 of 4 stars). 2 submissions from 2 submitters: Likely benign (2). Last evaluated 2023-08-25.

Conditions:
Cardiovascular phenotype. Identifiers: MedGen CN230736.

Allele frequency attached by ClinVar (database versions not stated): gnomAD 0.00002 and 0.00003; gnomAD exomes 0.00002.
gnomAD v4.1: 16 of 1,596,880 alleles (0.001%); highest among the groups gnomAD compares: Non-Finnish European, 0.001%; no homozygotes.

Submissions (2):

Ambry Genetics
Classification: Likely benign for Cardiovascular phenotype. Last evaluated: 2023-08-25. Review status: criteria provided, single submitter. Criteria: Ambry Variant Classification Scheme 2023. Collection method: clinical testing. Allele origin: germline.

GeneDx
Classification: Likely benign. Last evaluated: 2017-03-01. Review status: criteria provided, single submitter. Criteria: GeneDx Variant Classification (06012015). Collection method: clinical testing. Allele origin: germline. Affected: yes.
Comment: This variant is considered likely benign or benign based on one or more of the following criteria: it is a conservative change, it occurs at a poorly conserved position in the protein, it is predicted to be benign by multiple in silico algorithms, and/or has population frequency not consistent with disease.

NM_001267550.2(TTN):c.78748T>C (p.Leu26250=)

Genes: TTN (titin; minus strand), TTN-AS1 (TTN antisense RNA 1; plus strand). Cytogenetic location: 2q31.2.
Variant type: single nucleotide variant.
Coding change: c.78748T>C on transcript NM_001267550.2 (MANE Select); coding-DNA position 78748, T replaced by C.
Protein change: p.Leu26250=; no amino-acid change (leucine 26250 retained).
Molecular consequence: synonymous variant.
Genome position (GRCh38, 1-based): chr2:178,567,384, A>G on the plus strand (T>C on the coding strand, the complement: TTN is on the minus strand). VCF-style: chr2-178567384-A-G. GRCh37 (hg19) VCF-style: chr2-179432111-A-G.
Other names: c.73825T>C, p.Leu24609= (NM_001256850.1); c.51553T>C, p.Leu17185= (NM_003319.4); c.71044T>C, p.Leu23682= (NM_133378.4); c.51928T>C, p.Leu17310= (NM_133432.3); c.52129T>C, p.Leu17377= (NM_133437.4).
Identifiers: ClinVar variation 507763 (VCV000507763.3), dbSNP rs758482142, ClinGen allele CA60991176.
Genomic context (GRCh38, chr2:178,567,384, plus strand): 5'-TGGAAGCTCTTAAAATATACTGCCCACCATCAATTCTAATTGCATCTTTTACAATAAGTA[A>G]AGCCTTGAAATCTGTGTTCTTTATTTCACATCTAGCAGATTCTTCAATTTCCTTATCTCC-3'
Protein context (NP_001254479.2, residues 26240-26260): CEIKNTDFKA[Leu26250=]LIVKDAIRID